The following is an entry in ClinVar:

NM_177438.3(DICER1):c.4068_4069del (p.Tyr1357fs)

Gene: DICER1 (dicer 1, ribonuclease III; minus strand). Cytogenetic location: 14q32.13.
Variant type: Deletion.
Coding change: c.4068_4069del on transcript NM_177438.3 (MANE Select); coding-DNA positions 4068 to 4069, 2 bases deleted (GT; older notation c.4068_4069delGT).
Protein change: p.Tyr1357fs; shifts the reading frame from tyrosine 1357.
Molecular consequence: frameshift variant. On other transcripts: non-coding transcript variant (6).
Genome position (GRCh38, 1-based): chr14:95,099,917-95,099,918, AC deleted on the plus strand (GT on the coding strand, the reverse complement: DICER1 is on the minus strand); deleting any 2 consecutive bases within chr14:95,099,917-95,099,919 gives the same sequence; the c. name uses the placement nearest the transcript's 3' end. VCF-style (leftmost placement, unchanged base first): chr14-95099916-TAC-T. GRCh37 (hg19) VCF-style: chr14-95566253-TAC-T.
Other names: c.4068_4069del, p.Tyr1357fs (NM_001395682.1, NM_001395683.1, NM_001395684.1 and 12 more transcripts); c.3786_3787del, p.Tyr1263fs (NM_001395686.1); c.3663_3664del, p.Tyr1222fs (NM_001395687.1, NM_001395688.1, NM_001395689.1 and 2 more transcripts); c.3501_3502del, p.Tyr1168fs (NM_001395691.1); c.2385_2386del, p.Tyr796fs (NM_001395697.1); c.4068_4069delGT (NM_177438.2); short protein forms Y796fs, Y1168fs, Y1222fs, Y1263fs, Y1357fs.
Identifiers: ClinVar variation 4011654 (VCV004011654.1).

ClinVar aggregate classification (germline): Pathogenic (1 of 4 stars; one submission).

Conditions:
Hereditary cancer-predisposing syndrome. Also called: Tumor predisposition; Hereditary neoplastic syndrome; Neoplastic Syndromes, Hereditary; Hereditary Cancer Syndrome. Identifiers: Orphanet 140162, MedGen C0027672, MeSH D009386, MONDO:0015356.

Submission:

Ambry Genetics
Classification: Pathogenic for Hereditary cancer-predisposing syndrome. Last evaluated: 2025-05-18. Review status: criteria provided, single submitter. Criteria: Ambry Variant Classification Scheme 2023. Collection method: clinical testing. Allele origin: germline.
Comment: The c.4068_4069delGT pathogenic mutation, located in coding exon 21 of the DICER1 gene, results from a deletion of two nucleotides at nucleotide positions 4068 to 4069, causing a translational frameshift with a predicted alternate stop codon (p.Y1357Sfs*18). This variant was reported in individual(s) with features consistent with DICER1-related tumor predisposition syndrome (Ambry internal data). This variant is considered to be rare based on population cohorts in the Genome Aggregation Database (gnomAD). This alteration is expected to result in loss of function by premature protein truncation or nonsense-mediated mRNA decay. As such, this alteration is interpreted as a disease-causing mutation.